The following is an entry in ClinVar:

NM_013427.3(ARHGAP6):c.2191C>A (p.Pro731Thr)

Gene: ARHGAP6 (Rho GTPase activating protein 6; minus strand). Cytogenetic location: Xp22.2.
Variant type: single nucleotide variant.
Coding change: c.2191C>A on transcript NM_013427.3 (MANE Select); coding-DNA position 2191, C replaced by A.
Protein change: p.Pro731Thr; replaces proline 731 with threonine.
Molecular consequence: missense variant. On other transcripts: non-coding transcript variant (1).
Genome position (GRCh38, 1-based): chrX:11,142,299, G>T on the plus strand (C>A on the coding strand, the complement: ARHGAP6 is on the minus strand). VCF-style: chrX-11142299-G-T. GRCh37 (hg19) VCF-style: chrX-11160419-G-T.
Other names: c.1651C>A, p.Pro551Thr (NM_001287242.2); c.1582C>A, p.Pro528Thr (NM_013423.3); short protein forms P551T, P731T, P528T.
Identifiers: ClinVar variation 713570 (VCV000713570.6), dbSNP rs72558047, ClinGen allele CA10348036.

ClinVar aggregate classification (germline): Likely benign. Review status: criteria provided, single submitter (1 of 4 stars). 2 submissions from 2 submitters: Likely benign (1). 1 of the submissions does not count toward it. Last evaluated 2019-12-31.

Conditions:
ARHGAP6-related disorder. Also called: ARHGAP6-related condition.

Allele frequency attached by ClinVar (database versions not stated): ESP Exome Variant Server 0.00142; TOPMed 0.00153; gnomAD exomes 0.00163 and 0.00250; ExAC 0.00174; gnomAD 0.00180 and 0.00184.
gnomAD v4.1: 2,875 of 1,196,419 alleles (0.24%); highest among the groups gnomAD compares: Non-Finnish European, 0.3%; 8 homozygotes.

Submissions (2):

Labcorp Genetics (formerly Invitae), Labcorp
Classification: Likely benign. Last evaluated: 2019-12-31. Review status: criteria provided, single submitter. Criteria: Invitae Variant Classification Sherloc (09022015). Collection method: clinical testing. Allele origin: germline.

PreventionGenetics, part of Exact Sciences
Classification: Likely benign for ARHGAP6-related condition. Last evaluated: 2023-07-13. Review status: no assertion criteria provided. Collection method: clinical testing. Allele origin: germline. Not counted in ClinVar's aggregate classification.
Comment: This variant is classified as likely benign based on ACMG/AMP sequence variant interpretation guidelines (Richards et al. 2015 PMID: 25741868, with internal and published modifications).